The following is an entry in ClinVar:

ClinVar aggregate classification (germline): Uncertain significance (1 of 4 stars; one submission).

Conditions:
Beckwith-Wiedemann syndrome (BWS). Also called: Exomphalos macroglossia gigantism syndrome; EMG SYNDROME. Identifiers: Orphanet 116, MedGen C0004903, MONDO:0007534, OMIM 130650.

Submission:

Labcorp Genetics (formerly Invitae), Labcorp
Classification: Uncertain significance for Beckwith-Wiedemann syndrome. Last evaluated: 2025-03-10. Review status: criteria provided, single submitter. Criteria: Invitae Variant Classification Sherloc (09022015). Collection method: clinical testing. Allele origin: germline.
Comment: This sequence change replaces alanine, which is neutral and non-polar, with valine, which is neutral and non-polar, at codon 213 of the CDKN1C protein (p.Ala213Val). The frequency data for this variant in the population databases is considered unreliable, as metrics indicate insufficient coverage at this position in the gnomAD database. This variant has not been reported in the literature in individuals affected with CDKN1C-related conditions. ClinVar contains an entry for this variant (Variation ID: 2731064). Invitae Evidence Modeling of protein sequence and biophysical properties (such as structural, functional, and spatial information, amino acid conservation, physicochemical variation, residue mobility, and thermodynamic stability) indicates that this missense variant is not expected to disrupt CDKN1C protein function with a negative predictive value of 80%. In summary, the available evidence is currently insufficient to determine the role of this variant in disease. Therefore, it has been classified as a Variant of Uncertain Significance.

NM_001122630.2(CDKN1C):c.605C>T (p.Ala202Val)

Gene: CDKN1C (cyclin dependent kinase inhibitor 1C; minus strand). Cytogenetic location: 11p15.4.
Variant type: single nucleotide variant.
Coding change: c.605C>T on transcript NM_001122630.2 (MANE Select); coding-DNA position 605, C replaced by T.
Protein change: p.Ala202Val; replaces alanine 202 with valine.
Molecular consequence: missense variant. On other transcripts: intron variant (1).
Genome position (GRCh38, 1-based): chr11:2,884,852, G>A on the plus strand (C>T on the coding strand, the complement: CDKN1C is on the minus strand). VCF-style: chr11-2884852-G-A. GRCh37 (hg19) VCF-style: chr11-2906082-G-A.
Other names: c.638C>T, p.Ala213Val (NM_000076.2, NM_001362474.2); c.605C>T, p.Ala202Val (NM_001122631.2); c.255+350C>T (NM_001362475.2); short protein forms A213V, A202V.
Identifiers: ClinVar variation 2731064 (VCV002731064.3), dbSNP rs2494385304, ClinGen allele CA379146152.